The following is an entry in ClinVar:

NM_001278512.2(AP3B2):c.1217A>G (p.Asn406Ser)

Genes: AP3B2 (adaptor related protein complex 3 subunit beta 2; minus strand), CPEB1-AS1 (CPEB1 antisense RNA 1; plus strand). Cytogenetic location: 15q25.2.
Variant type: single nucleotide variant.
Coding change: c.1217A>G on transcript NM_001278512.2 (MANE Select); coding-DNA position 1217, A replaced by G.
Protein change: p.Asn406Ser; replaces asparagine 406 with serine.
Molecular consequence: missense variant.
Genome position (GRCh38, 1-based): chr15:82,678,133, T>C on the plus strand (A>G on the coding strand, the complement: AP3B2 is on the minus strand). VCF-style: chr15-82678133-T-C. GRCh37 (hg19) VCF-style: chr15-83346885-T-C.
Other names: c.1121A>G, p.Asn374Ser (NM_001278511.2); c.1217A>G, p.Asn406Ser (NM_004644.5); short protein forms N374S, N406S.
Identifiers: ClinVar variation 2092724 (VCV002092724.4), dbSNP rs2548709146, ClinGen allele CA393317355.

ClinVar aggregate classification (germline): Uncertain significance (1 of 4 stars; one submission).

Submission:

Labcorp Genetics (formerly Invitae), Labcorp
Classification: Uncertain significance. Last evaluated: 2023-04-24. Review status: criteria provided, single submitter. Criteria: Invitae Variant Classification Sherloc (09022015). Collection method: clinical testing. Allele origin: germline.
Comment: In summary, the available evidence is currently insufficient to determine the role of this variant in disease. Therefore, it has been classified as a Variant of Uncertain Significance. An algorithm developed to predict the effect of missense changes on protein structure and function (PolyPhen-2) suggests that this variant is likely to be tolerated. ClinVar contains an entry for this variant (Variation ID: 2092724). This variant has not been reported in the literature in individuals affected with AP3B2-related conditions. This variant is not present in population databases (gnomAD no frequency). This sequence change replaces asparagine, which is neutral and polar, with serine, which is neutral and polar, at codon 406 of the AP3B2 protein (p.Asn406Ser).